The following is an entry in ClinVar:

ClinVar aggregate classification (germline): Uncertain significance (1 of 4 stars; one submission).

gnomAD v4.1: 6 of 1,613,902 alleles (0.00037%); highest among the groups gnomAD compares: African/African-American, 0.0027%; no homozygotes.

Submission:

Labcorp Genetics (formerly Invitae), Labcorp
Classification: Uncertain significance. Last evaluated: 2025-08-22. Review status: criteria provided, single submitter. Criteria: Invitae Variant Classification Sherloc (09022015). Collection method: clinical testing. Allele origin: germline.
Comment: This sequence change replaces valine, which is neutral and non-polar, with methionine, which is neutral and non-polar, at codon 992 of the CYFIP2 protein (p.Val992Met). The frequency data for this variant in the population databases is considered unreliable, as metrics indicate poor data quality at this position in the gnomAD database. This variant has not been reported in the literature in individuals affected with CYFIP2-related conditions. Experimental studies and prediction algorithms are not available or were not evaluated, and the functional significance of this variant is currently unknown. In summary, the available evidence is currently insufficient to determine the role of this variant in disease. Therefore, it has been classified as a Variant of Uncertain Significance.

NM_001037333.3(CYFIP2):c.2974G>A (p.Val992Met)

Gene: CYFIP2 (cytoplasmic FMR1 interacting protein 2; plus strand). Cytogenetic location: 5q33.3.
Variant type: single nucleotide variant.
Coding change: c.2974G>A on transcript NM_001037333.3 (MANE Select); coding-DNA position 2974, G replaced by A.
Protein change: p.Val992Met; replaces valine 992 with methionine.
Molecular consequence: missense variant.
Genome position (GRCh38, 1-based): chr5:157,361,533, G>A. VCF-style: chr5-157361533-G-A. GRCh37 (hg19) VCF-style: chr5-156788541-G-A.
Other names: c.2896G>A, p.Val966Met (NM_001291721.2); c.3049G>A, p.Val1017Met (NM_001291722.2); c.2974G>A, p.Val992Met (NM_014376.4); short protein forms V1017M, V992M, V966M.
Identifiers: ClinVar variation 4768560 (VCV004768560.1).